The following is an entry in ClinVar:

ClinVar aggregate classification (germline): Uncertain significance (1 of 4 stars; one submission).

Conditions:
Deficiency of UDPglucose-hexose-1-phosphate uridylyltransferase. Also called: Transferase Deficiency Galactosemia; GALACTOSE-1-PHOSPHATE URIDYLYLTRANSFERASE DEFICIENCY; GALT deficiency; Galactosemia, classic; GALACTOSEMIA I. Identifiers: Orphanet 352, Orphanet 79239, MedGen C0268151, MONDO:0009258, OMIM 230400.

Submission:

Labcorp Genetics (formerly Invitae), Labcorp
Classification: Uncertain significance for Deficiency of UDPglucose-hexose-1-phosphate uridylyltransferase. Last evaluated: 2021-12-17. Review status: criteria provided, single submitter. Criteria: Invitae Variant Classification Sherloc (09022015). Collection method: clinical testing. Allele origin: germline.
Comment: This sequence change replaces glutamine, which is neutral and polar, with proline, which is neutral and non-polar, at codon 317 of the GALT protein (p.Gln317Pro). This variant is not present in population databases (gnomAD no frequency). This variant has not been reported in the literature in individuals affected with GALT-related conditions. Advanced modeling of protein sequence and biophysical properties (such as structural, functional, and spatial information, amino acid conservation, physicochemical variation, residue mobility, and thermodynamic stability) performed at Invitae indicates that this missense variant is expected to disrupt GALT protein function. In summary, the available evidence is currently insufficient to determine the role of this variant in disease. Therefore, it has been classified as a Variant of Uncertain Significance.

NM_000155.4(GALT):c.950A>C (p.Gln317Pro)

Gene: GALT (galactose-1-phosphate uridylyltransferase; plus strand). Cytogenetic location: 9p13.3.
Variant type: single nucleotide variant.
Coding change: c.950A>C on transcript NM_000155.4 (MANE Select); coding-DNA position 950, A replaced by C.
Protein change: p.Gln317Pro; replaces glutamine 317 with proline.
Molecular consequence: missense variant.
Genome position (GRCh38, 1-based): chr9:34,649,455, A>C. VCF-style: chr9-34649455-A-C. GRCh37 (hg19) VCF-style: chr9-34649452-A-C.
Other names: c.623A>C, p.Gln208Pro (NM_001258332.2); short protein forms Q208P, Q317P.
Identifiers: ClinVar variation 1955481 (VCV001955481.2), dbSNP rs111033786, ClinGen allele CA373284845.